The following is an entry in ClinVar:

NM_022173.4(TIA1):c.170G>A (p.Arg57His)

Gene: TIA1 (TIA1 cytotoxic granule associated RNA binding protein; minus strand). Cytogenetic location: 2p13.3.
Variant type: single nucleotide variant.
Coding change: c.170G>A on transcript NM_022173.4 (MANE Select); coding-DNA position 170, G replaced by A.
Protein change: p.Arg57His; replaces arginine 57 with histidine.
Molecular consequence: missense variant. On other transcripts: 5 prime UTR variant (6), non-coding transcript variant (17).
Genome position (GRCh38, 1-based): chr2:70,230,808, C>T on the plus strand (G>A on the coding strand, the complement: TIA1 is on the minus strand). VCF-style: chr2-70230808-C-T. GRCh37 (hg19) VCF-style: chr2-70457940-C-T.
Other names: c.170G>A, p.Arg57His (NM_001351508.2, NM_001351510.2, NM_001351516.2 and 5 more transcripts); c.176G>A, p.Arg59His (NM_001351509.2, NM_001351520.2); c.59G>A, p.Arg20His (NM_001351511.1, NM_001351513.1); c.65G>A, p.Arg22His (NM_001351512.1); c.-26G>A (NM_001351514.2, NM_001351523.2); c.-220G>A (NM_001351515.2); c.-469G>A (NM_001351517.2); c.-246G>A (NM_001351524.2); and 1 more; short protein forms R20H, R57H, R22H, R59H.
Identifiers: ClinVar variation 1486771 (VCV001486771.6), dbSNP rs778629190, ClinGen allele CA1697709.

ClinVar aggregate classification (germline): Uncertain significance (1 of 4 stars; one submission).

Conditions:
Welander distal myopathy (WDM). Also called: Gower's muscular dystrophy; Welander distal myopathy, Swedish type; Distal myopathy, Swedish type; MUSCULAR DYSTROPHY, DISTAL, LATE-ONSET, AUTOSOMAL DOMINANT. Identifiers: Orphanet 603, MedGen C0221054, MONDO:0011466, OMIM 604454.

Allele frequency attached by ClinVar (database versions not stated): ExAC 0.00002; gnomAD exomes 0.00004; gnomAD 0.00008 and 0.00009.

Submission:

Labcorp Genetics (formerly Invitae), Labcorp
Classification: Uncertain significance for Welander distal myopathy. Last evaluated: 2023-06-19. Review status: criteria provided, single submitter. Criteria: Invitae Variant Classification Sherloc (09022015). Collection method: clinical testing. Allele origin: germline.
Comment: Advanced modeling of protein sequence and biophysical properties (such as structural, functional, and spatial information, amino acid conservation, physicochemical variation, residue mobility, and thermodynamic stability) performed at Invitae indicates that this missense variant is not expected to disrupt TIA1 protein function. In summary, the available evidence is currently insufficient to determine the role of this variant in disease. Therefore, it has been classified as a Variant of Uncertain Significance. ClinVar contains an entry for this variant (Variation ID: 1486771). This variant has not been reported in the literature in individuals affected with TIA1-related conditions. This variant is present in population databases (rs778629190, gnomAD 0.03%). This sequence change replaces arginine, which is basic and polar, with histidine, which is basic and polar, at codon 57 of the TIA1 protein (p.Arg57His).